The following is an entry in ClinVar:

ClinVar aggregate classification (germline): Likely pathogenic (1 of 4 stars; one submission).

Conditions:
Autosomal recessive polycystic kidney disease (ARPKD). Also called: AR polycystic kidney disease. Identifiers: Orphanet 731, Orphanet 8378, MedGen C0085548, MeSH D017044, MONDO:0009889.

gnomAD v4.1: 2 of 1,614,012 alleles (0.00012%); highest among the groups gnomAD compares: Non-Finnish European, 0.00017%; no homozygotes.

Submission:

Natera, Inc.
Classification: Likely pathogenic for Autosomal recessive polycystic kidney disease. Last evaluated: 2024-10-16. Review status: criteria provided, single submitter. Criteria: Natera Variant Classification Schema (03/2026). Collection method: clinical testing. Allele origin: germline.
Comment: The c.3560+1G>C variant in PKHD1 is a canonical splice donor site variant predicted to affect pre-mRNA splicing, which may result in an abnormal transcript and altered protein product. This variant is expected to result in nonsense mediated decay, truncation, or a dysfunctional protein product. This variant is rare in the general population with a frequency below the threshold expected for the associated phenotype(s). Given the available evidence, this variant is classified as Likely Pathogenic.

NM_138694.4(PKHD1):c.3560+1G>C

Gene: PKHD1 (PKHD1 ciliary IPT domain containing fibrocystin/polyductin; minus strand). Cytogenetic location: 6p12.2.
Variant type: single nucleotide variant.
Coding change: c.3560+1G>C on transcript NM_138694.4 (MANE Select); the canonical splice donor site of the intron after coding-DNA position 3560, G replaced by C.
Molecular consequence: splice donor variant.
Genome position (GRCh38, 1-based): chr6:52,028,155, C>G on the plus strand (G>C on the coding strand, the complement: PKHD1 is on the minus strand). VCF-style: chr6-52028155-C-G. GRCh37 (hg19) VCF-style: chr6-51892953-C-G.
Other names: c.3560+1G>C (NM_170724.3).
Identifiers: ClinVar variation 4816637 (VCV004816637.1).
Genomic context (GRCh38, chr6:52,028,155, plus strand): 5'-TTACCTAGCTGAATGCTAGACCATCAAACAAATCCAAAATTAATGCAAGTGGTCACCTCA[C>G]CCTTGTGAGTGAATGCTGACCCCATTGATAGAGACGGAAATTCTGTGGAGACCAGCTGGC-3'